The following is an entry in ClinVar:

ClinVar aggregate classification (germline): Uncertain significance (1 of 4 stars; one submission).

Submission:

GeneDx
Classification: Uncertain significance. Last evaluated: 2024-04-30. Review status: criteria provided, single submitter. Criteria: GeneDx Variant Classification Process June 2021. Collection method: clinical testing. Allele origin: germline. Affected: yes.
Comment: Not observed at significant frequency in large population cohorts (gnomAD); In silico analysis indicates that this missense variant does not alter protein structure/function; Has not been previously published as pathogenic or benign to our knowledge

NM_032188.3(KAT8):c.993C>G (p.Phe331Leu)

Gene: KAT8 (lysine acetyltransferase 8; plus strand). Cytogenetic location: 16p11.2.
Variant type: single nucleotide variant.
Coding change: c.993C>G on transcript NM_032188.3 (MANE Select); coding-DNA position 993, C replaced by G.
Protein change: p.Phe331Leu; replaces phenylalanine 331 with leucine.
Molecular consequence: missense variant.
Genome position (GRCh38, 1-based): chr16:31,130,347, C>G. VCF-style: chr16-31130347-C-G. GRCh37 (hg19) VCF-style: chr16-31141668-C-G.
Other names: c.993C>G, p.Phe331Leu (NM_182958.4); short protein forms F331L.
Identifiers: ClinVar variation 3373262 (VCV003373262.1).